The following is an entry in ClinVar:

NM_000321.3(RB1):c.-38C>T

Gene: RB1 (RB transcriptional corepressor 1; plus strand). Cytogenetic location: 13q14.2.
Variant type: single nucleotide variant.
Coding change: c.-38C>T on transcript NM_000321.3 (MANE Select); 38 bases upstream of the start codon, C replaced by T.
Molecular consequence: 5 prime UTR variant.
Genome position (GRCh38, 1-based): chr13:48,303,875, C>T. VCF-style: chr13-48303875-C-T. GRCh37 (hg19) VCF-style: chr13-48878011-C-T.
Other names: c.-38C>T (NM_001407165.1, NM_001407166.1, NM_001407167.1).
Identifiers: ClinVar variation 3666883 (VCV003666883.2).

ClinVar aggregate classification (germline): Uncertain significance (1 of 4 stars; one submission).

Conditions:
Retinoblastoma (RB1). Also called: RETINOBLASTOMA, SOMATIC. Identifiers: Orphanet 790, MedGen C0035335, MeSH D012175, MONDO:0008380, OMIM 180200, HP:0009919. Disease mechanism: loss of function. Inheritance: Both sporadic and heritable forms are tested..

gnomAD v4.1: 1 of 1,512,806 alleles (0.000066%); highest among the groups gnomAD compares: South Asian, 0.0012%; no homozygotes.

Submission:

Labcorp Genetics (formerly Invitae), Labcorp
Classification: Uncertain significance for Retinoblastoma. Last evaluated: 2024-04-24. Review status: criteria provided, single submitter. Criteria: Invitae Variant Classification Sherloc (09022015). Collection method: clinical testing. Allele origin: germline.
Comment: This variant occurs in a non-coding region of the RB1 gene. It does not change the encoded amino acid sequence of the RB1 protein. This variant is not present in population databases (gnomAD no frequency). This variant has not been reported in the literature in individuals affected with RB1-related conditions. In summary, the available evidence is currently insufficient to determine the role of this variant in disease. Therefore, it has been classified as a Variant of Uncertain Significance.